The following is an entry in ClinVar:

NM_006950.3(SYN1):c.1820C>G (p.Ala607Gly)

Gene: SYN1 (synapsin I; minus strand). Cytogenetic location: Xp11.3.
Variant type: single nucleotide variant.
Coding change: c.1820C>G on transcript NM_006950.3 (MANE Select); coding-DNA position 1820, C replaced by G.
Protein change: p.Ala607Gly; replaces alanine 607 with glycine.
Molecular consequence: missense variant.
Genome position (GRCh38, 1-based): chrX:47,574,164, G>C on the plus strand (C>G on the coding strand, the complement: SYN1 is on the minus strand). VCF-style: chrX-47574164-G-C. GRCh37 (hg19) VCF-style: chrX-47433563-G-C.
Other names: c.1820C>G, p.Ala607Gly (NM_133499.2); short protein forms A607G.
Identifiers: ClinVar variation 1966174 (VCV001966174.6), dbSNP rs1339706473, ClinGen allele CA412822463.

ClinVar aggregate classification (germline): Uncertain significance. Review status: criteria provided, multiple submitters, no conflicts (2 of 4 stars). 2 submissions from 2 submitters: Uncertain significance (2). Last evaluated 2023-01-18.

Conditions:
SYN1-related disorder. Also called: SYN1-related condition; SYN1-Related Disorders.
Epilepsy, X-linked 1, with variable learning disabilities and behavior disorders. Also called: X-linked epilepsy-learning disabilities-behavior disorders syndrome. Identifiers: Orphanet 85294, MedGen C5774177, MONDO:0010339, OMIM 300491.

gnomAD v4.1: 1 of 1,052,262 alleles (0.000095%); highest among the groups gnomAD compares: Non-Finnish European, 0.00012%; no homozygotes.

Submissions (2):

PreventionGenetics, part of Exact Sciences
Classification: Uncertain significance for SYN1-related condition. Last evaluated: 2023-01-18. Review status: criteria provided, single submitter. Criteria: ACMG Guidelines, 2015. Collection method: clinical testing. Allele origin: germline.
Comment: The SYN1 c.1820C>G variant is predicted to result in the amino acid substitution p.Ala607Gly. To our knowledge, this variant has not been reported in the literature or in a large population database, indicating this variant is rare. At this time, the clinical significance of this variant is uncertain due to the absence of conclusive functional and genetic evidence.

Labcorp Genetics (formerly Invitae), Labcorp
Classification: Uncertain significance for Epilepsy, X-linked 1, with variable learning disabilities and behavior disorders. Last evaluated: 2022-09-09. Review status: criteria provided, single submitter. Criteria: Invitae Variant Classification Sherloc (09022015). Collection method: clinical testing. Allele origin: germline.
Comment: In summary, the available evidence is currently insufficient to determine the role of this variant in disease. Therefore, it has been classified as a Variant of Uncertain Significance. Algorithms developed to predict the effect of missense changes on protein structure and function are either unavailable or do not agree on the potential impact of this missense change (SIFT: "Deleterious"; PolyPhen-2: "Not Available"; Align-GVGD: "Class C0"). This variant has not been reported in the literature in individuals affected with SYN1-related conditions. The frequency data for this variant in the population databases is considered unreliable, as metrics indicate insufficient coverage at this position in the gnomAD database. This sequence change replaces alanine, which is neutral and non-polar, with glycine, which is neutral and non-polar, at codon 607 of the SYN1 protein (p.Ala607Gly).